The following is an entry in ClinVar:

NM_007078.3(LDB3):c.322-161A>G

Gene: LDB3 (LIM domain binding 3; plus strand). Cytogenetic location: 10q23.2.
Variant type: single nucleotide variant.
Coding change: c.322-161A>G on transcript NM_007078.3 (MANE Select); 161 bases into the intron before coding-DNA position 322, A replaced by G.
Molecular consequence: intron variant.
Genome position (GRCh38, 1-based): chr10:86,681,275, A>G. VCF-style: chr10-86681275-A-G. GRCh37 (hg19) VCF-style: chr10-88441032-A-G.
Other names: c.322-161A>G (NM_001368064.1, NM_001368063.1, NM_001171610.2 and 3 more transcripts); c.321+1118A>G (NM_001368068.1, NM_001368066.1, NM_001080114.2 and 2 more transcripts).
Identifiers: ClinVar variation 672015 (VCV000672015.2), dbSNP rs2675686, ClinGen allele CA13197977.

ClinVar aggregate classification (germline): Benign. Review status: criteria provided, multiple submitters, no conflicts (2 of 4 stars). 2 submissions from 2 submitters: Benign (2). Last evaluated 2018-06-15.

Allele frequency attached by ClinVar (database versions not stated): 1000 Genomes Project 0.19589; 1000 Genomes Project 30x 0.20503; gnomAD 0.22873 and 0.23672; TOPMed 0.23549.
gnomAD v4.1: 34,925 of 152,310 alleles (23%); highest among the groups gnomAD compares: African/African-American, 34%; 4,519 homozygotes.

Submissions (2):

GeneDx
Classification: Benign. Last evaluated: 2018-06-15. Review status: criteria provided, single submitter. Criteria: GeneDx Variant Classification (06012015). Collection method: clinical testing. Allele origin: germline. Affected: yes.
Comment: This variant is considered likely benign or benign based on one or more of the following criteria: it is a conservative change, it occurs at a poorly conserved position in the protein, it is predicted to be benign by multiple in silico algorithms, and/or has population frequency not consistent with disease.

Breakthrough Genomics
Classification: Benign. Review status: criteria provided, single submitter. Criteria: ACMG Guidelines, 2015. Collection method: not provided. Allele origin: germline. Inheritance: Autosomal dominant inheritance. Affected: yes.